The following is an entry in ClinVar:

NM_000138.5(FBN1):c.6616G>A (p.Asp2206Asn)

Gene: FBN1 (fibrillin 1; minus strand). Cytogenetic location: 15q21.1.
Variant type: single nucleotide variant.
Coding change: c.6616G>A on transcript NM_000138.5 (MANE Select); coding-DNA position 6616, G replaced by A.
Protein change: p.Asp2206Asn; replaces aspartic acid 2206 with asparagine.
Molecular consequence: missense variant.
Genome position (GRCh38, 1-based): chr15:48,434,594, C>T on the plus strand (G>A on the coding strand, the complement: FBN1 is on the minus strand). VCF-style: chr15-48434594-C-T. GRCh37 (hg19) VCF-style: chr15-48726791-C-T.
Other names: short protein forms D2206N.
Identifiers: ClinVar variation 437420 (VCV000437420.3), dbSNP rs1555394999, ClinGen allele CA392334571.
Genomic context (GRCh38, chr15:48,434,594, plus strand): 5'-CAACCAATTGTTCCCAGGATCAGTACACGTAATCAACTGTTCTCTGTTTAAGAGATGTAC[C>T]TTCACATGTCATCATTGGACCGGGCTCAAATCCCTCCTCGCAGGTGCATTCAAAACCTCC-3'
Protein context (NP_000129.3, residues 2196-2216): FEPGPMMTCE[Asp2206Asn]INECAQNPLL

ClinVar aggregate classification (germline): Conflicting classifications of pathogenicity. Review status: criteria provided, conflicting classifications (1 of 4 stars). 2 submissions from 2 submitters: Likely pathogenic (1); Uncertain significance (1). Last evaluated 2023-05-16.

Conditions:
Marfan syndrome (MFS). Also called: MARFAN SYNDROME, TYPE I; FBN1-Related Marfan Syndrome; Marfan syndrome type 1; Marfan's syndrome; Marfan syndrome, classic. Identifiers: Orphanet 284963, Orphanet 558, MedGen C0024796, MONDO:0007947, OMIM 154700.

Submissions (2):

All of Us Research Program, National Institutes of Health
Classification: Uncertain significance for Marfan syndrome. Last evaluated: 2023-05-16. Review status: criteria provided, single submitter. Criteria: ACMG Guidelines, 2015. Collection method: clinical testing. Allele origin: germline. Inheritance: Autosomal dominant inheritance. Observed: 1 variant allele, 1 heterozygote.
Comment: This study involves interpretation of variants in research participants for the purpose of population health screening. Participant phenotype was not available at the time of variant classification. Additional details can be found in publication PMID: 35346344, PMCID: PMC8962531

Center of Genomic medicine, Geneva, University Hospital of Geneva
Classification: Likely pathogenic for Marfan syndrome. Last evaluated: 2014-12-15. Review status: criteria provided, single submitter. Criteria: MacArthur et al. (Nature 2014). Collection method: clinical testing. Allele origin: germline. Affected: yes.